The following is an entry in ClinVar:

NM_014314.4(RIGI):c.2481+6C>G

Genes: RIGI (RNA sensor RIG-I; minus strand), LOC101060445 (uncharacterized LOC101060445; plus strand). Cytogenetic location: 9p21.1.
Variant type: single nucleotide variant.
Coding change: c.2481+6C>G on transcript NM_014314.4 (MANE Select); 6 bases into the intron after coding-DNA position 2481, C replaced by G.
Molecular consequence: intron variant.
Genome position (GRCh38, 1-based): chr9:32,459,365, G>C on the plus strand (C>G on the coding strand, the complement: RIGI is on the minus strand). VCF-style: chr9-32459365-G-C. GRCh37 (hg19) VCF-style: chr9-32459363-G-C.
Other names: c.1872+6C>G (NM_001385912.1); c.2466+6C>G (NM_001385913.1); c.2475+6C>G (NM_001385907.1); c.2310+6C>G (NM_001385909.1); c.2037+6C>G (NM_001385914.1); c.2040+6C>G (NM_001385910.1).
Identifiers: ClinVar variation 2126456 (VCV002126456.4), dbSNP rs753992096, ClinGen allele CA1844630150.
Genomic context (GRCh38, chr9:32,459,365, plus strand): 5'-TTCACCAACAGTAAGCTGTAGCTAGTGCTAAAACATGACCAGGCACTTTGTAAAAAGGCA[G>C]CTTACCTCTATCACTCTTACGTCAGCTGTGTAACATGCCAAGGCTTTGCACTTTCTGCAG-3'

ClinVar aggregate classification (germline): Uncertain significance (1 of 4 stars; one submission).

Allele frequency attached by ClinVar (database versions not stated): TOPMed below 0.00001.

Submission:

Labcorp Genetics (formerly Invitae), Labcorp
Classification: Uncertain significance. Last evaluated: 2022-04-15. Review status: criteria provided, single submitter. Criteria: Invitae Variant Classification Sherloc (09022015). Collection method: clinical testing. Allele origin: germline.
Comment: In summary, the available evidence is currently insufficient to determine the role of this variant in disease. Therefore, it has been classified as a Variant of Uncertain Significance. Variants that disrupt the consensus splice site are a relatively common cause of aberrant splicing (PMID: 17576681, 9536098). Algorithms developed to predict the effect of sequence changes on RNA splicing suggest that this variant is not likely to affect RNA splicing. This variant has not been reported in the literature in individuals affected with DDX58-related conditions. This variant is not present in population databases (gnomAD no frequency). This sequence change falls in intron 17 of the DDX58 gene. It does not directly change the encoded amino acid sequence of the DDX58 protein. It affects a nucleotide within the consensus splice site.

Literature cited by the submitters: PubMed 17576681; PubMed 9536098.